The following is an entry in ClinVar:

NM_001374828.1(ARID1B):c.1492G>T (p.Ala498Ser)

Gene: ARID1B (AT-rich interaction domain 1B; plus strand). Cytogenetic location: 6q25.3.
Variant type: single nucleotide variant.
Coding change: c.1492G>T on transcript NM_001374828.1 (MANE Select); coding-DNA position 1492, G replaced by T.
Protein change: p.Ala498Ser; replaces alanine 498 with serine.
Molecular consequence: missense variant.
Genome position (GRCh38, 1-based): chr6:156,779,172, G>T. VCF-style: chr6-156779172-G-T. GRCh37 (hg19) VCF-style: chr6-157100306-G-T.
Other names: c.1243G>T, p.Ala415Ser (NM_001346813.1, NM_020732.3); c.1492G>T, p.Ala498Ser (NM_001371656.1, NM_001374820.1, NM_017519.3); c.1069G>T, p.Ala357Ser (NM_175863.2); short protein forms A415S, A498S, A357S.
Identifiers: ClinVar variation 1878246 (VCV001878246.2), dbSNP rs767247521, ClinGen allele CA4066742.
Genomic context (GRCh38, chr6:156,779,172, plus strand): 5'-GCCGGCTCGGCGGCGGGGGGCTTCCAGCGCTTCGCCGGCCAGAACCAGCACCCGTCGGGG[G>T]CCACCCCGACCCTCAATCAGCTGCTCACCTCGCCCAGCCCCATGATGCGGAGCTACGGCG-3'
Protein context (NP_001361757.1, residues 488-508): FAGQNQHPSG[Ala498Ser]TPTLNQLLTS

ClinVar aggregate classification (germline): Conflicting classifications of pathogenicity. Review status: criteria provided, conflicting classifications (1 of 4 stars). 2 submissions from 2 submitters: Uncertain significance (1); Benign (1). Last evaluated 2025-12-12.

Allele frequency attached by ClinVar (database versions not stated): ExAC 0.00005.
gnomAD v4.1: 7 of 1,323,470 alleles (0.00053%); highest among the groups gnomAD compares: Admixed American, 0.013%; no homozygotes.

Submissions (2):

Labcorp Genetics (formerly Invitae), Labcorp
Classification: Benign. Last evaluated: 2025-12-12. Review status: criteria provided, single submitter. Criteria: Invitae Variant Classification Sherloc (09022015). Collection method: clinical testing. Allele origin: germline.

Women's Health and Genetics/Laboratory Corporation of America, LabCorp
Classification: Uncertain significance. Last evaluated: 2022-12-08. Review status: criteria provided, single submitter. Criteria: LabCorp Variant Classification Summary - May 2015. Collection method: clinical testing. Allele origin: germline.
Comment: Variant summary: ARID1B c.1492G>T (p.Ala498Ser) results in a conservative amino acid change in the encoded protein sequence. Three of three in-silico tools predict a benign effect of the variant on protein function. The variant allele was found at a frequency of 3.6e-05 in 111966 control chromosomes. The available data on variant occurrences in the general population are insufficient to allow any conclusion about variant significance. To our knowledge, no occurrence of c.1492G>T in individuals affected with Coffin-Siris Syndrome 1 and no experimental evidence demonstrating its impact on protein function have been reported. No clinical diagnostic laboratories have submitted clinical-significance assessments for this variant to ClinVar after 2014. Based on the evidence outlined above, the variant was classified as uncertain significance.